The following is an entry in ClinVar:

NM_170606.3(KMT2C):c.250+3A>G

Gene: KMT2C (lysine methyltransferase 2C; minus strand). Cytogenetic location: 7q36.1.
Variant type: single nucleotide variant.
Coding change: c.250+3A>G on transcript NM_170606.3 (MANE Select); 3 bases into the intron after coding-DNA position 250, A replaced by G.
Molecular consequence: intron variant.
Genome position (GRCh38, 1-based): chr7:152,358,584, T>C on the plus strand (A>G on the coding strand, the complement: KMT2C is on the minus strand). VCF-style: chr7-152358584-T-C. GRCh37 (hg19) VCF-style: chr7-152055669-T-C.
Identifiers: ClinVar variation 2812351 (VCV002812351.3), dbSNP rs367875445, ClinGen allele CA2685730655.

ClinVar aggregate classification (germline): Uncertain significance (1 of 4 stars; one submission).

Allele frequency attached by ClinVar (database versions not stated): gnomAD exomes below 0.00001.
gnomAD v4.1: 3 of 1,580,600 alleles (0.00019%); highest among the groups gnomAD compares: Non-Finnish European, 0.00026%; no homozygotes.

Submission:

Labcorp Genetics (formerly Invitae), Labcorp
Classification: Uncertain significance. Last evaluated: 2024-10-08. Review status: criteria provided, single submitter. Criteria: Invitae Variant Classification Sherloc (09022015). Collection method: clinical testing. Allele origin: germline.
Comment: This sequence change falls in intron 2 of the KMT2C gene. It does not directly change the encoded amino acid sequence of the KMT2C protein. It affects a nucleotide within the consensus splice site. This variant is not present in population databases (gnomAD no frequency). This variant has not been reported in the literature in individuals affected with KMT2C-related conditions. Variants that disrupt the consensus splice site are a relatively common cause of aberrant splicing (PMID: 17576681, 9536098). Algorithms developed to predict the effect of sequence changes on RNA splicing suggest that this variant may disrupt the consensus splice site. In summary, the available evidence is currently insufficient to determine the role of this variant in disease. Therefore, it has been classified as a Variant of Uncertain Significance.

Literature cited by the submitters: PubMed 17576681; PubMed 9536098.